The following is an entry in ClinVar:

ClinVar aggregate classification (germline): Uncertain significance (1 of 4 stars; one submission).

Conditions:
Neurofibromatosis, type 1 (NF1). Also called: NEUROFIBROMATOSIS, TYPE I, SOMATIC; Neurofibromatosis, type I; VON RECKLINGHAUSEN DISEASE; Peripheral type neurofibromatosis. Identifiers: Orphanet 636, MedGen C0027831, MONDO:0018975, OMIM 162200. Disease mechanism: loss of function.

Submission:

Labcorp Genetics (formerly Invitae), Labcorp
Classification: Uncertain significance for Neurofibromatosis, type 1. Last evaluated: 2021-08-03. Review status: criteria provided, single submitter. Criteria: Invitae Variant Classification Sherloc (09022015). Collection method: clinical testing. Allele origin: germline.
Comment: In summary, the available evidence is currently insufficient to determine the role of this variant in disease. Therefore, it has been classified as a Variant of Uncertain Significance. Advanced modeling of protein sequence and biophysical properties (such as structural, functional, and spatial information, amino acid conservation, physicochemical variation, residue mobility, and thermodynamic stability) performed at Invitae indicates that this missense variant is not expected to disrupt NF1 protein function. This variant has not been reported in the literature in individuals affected with NF1-related conditions. This variant is not present in population databases (ExAC no frequency). This sequence change replaces serine with glycine at codon 1630 of the NF1 protein (p.Ser1630Gly). The serine residue is moderately conserved and there is a small physicochemical difference between serine and glycine.

NM_001042492.3(NF1):c.4951A>G (p.Ser1651Gly)

Gene: NF1 (neurofibromin 1; plus strand). Cytogenetic location: 17q11.2.
Variant type: single nucleotide variant.
Coding change: c.4951A>G on transcript NM_001042492.3 (MANE Select); coding-DNA position 4951, A replaced by G.
Protein change: p.Ser1651Gly; replaces serine 1651 with glycine.
Molecular consequence: missense variant.
Genome position (GRCh38, 1-based): chr17:31,325,935, A>G. VCF-style: chr17-31325935-A-G. GRCh37 (hg19) VCF-style: chr17-29652953-A-G.
Other names: c.4888A>G, p.Ser1630Gly (NM_000267.4); short protein forms S1630G, S1651G.
Identifiers: ClinVar variation 1485204 (VCV001485204.6), dbSNP rs1555533314, ClinGen allele CA399007175.